The following is an entry in ClinVar:

ClinVar aggregate classification (germline): Uncertain significance (1 of 4 stars; one submission).

Allele frequency attached by ClinVar (database versions not stated): gnomAD 0.00001; ExAC 0.00002; gnomAD exomes 0.00001; TOPMed 0.00001.
gnomAD v4.1: 20 of 1,613,870 alleles (0.0012%); highest among the groups gnomAD compares: Non-Finnish European, 0.0017%; no homozygotes.

Submission:

Greenwood Genetic Center Diagnostic Laboratories, Greenwood Genetic Center
Classification: Uncertain significance. Last evaluated: 2021-12-21. Review status: criteria provided, single submitter. Criteria: ACMG Guidelines, 2015. Collection method: clinical testing. Allele origin: germline. Affected: yes.
Comment: PM2

NM_001395656.1(ROBO2):c.712G>A (p.Glu238Lys)

Gene: ROBO2 (roundabout guidance receptor 2; plus strand). Cytogenetic location: 3p12.3.
Variant type: single nucleotide variant.
Coding change: c.712G>A on transcript NM_001395656.1 (MANE Select); coding-DNA position 712, G replaced by A.
Protein change: p.Glu238Lys; replaces glutamic acid 238 with lysine.
Molecular consequence: missense variant. On other transcripts: 5 prime UTR variant (1).
Genome position (GRCh38, 1-based): chr3:77,493,288, G>A. VCF-style: chr3-77493288-G-A. GRCh37 (hg19) VCF-style: chr3-77542439-G-A.
Other names: c.760G>A, p.Glu254Lys (NM_001378191.1, NM_001378195.1, NM_001378196.1 and 5 more transcripts); c.781G>A, p.Glu261Lys (NM_001378192.1, NM_001378194.1, NM_001378198.1 and 5 more transcripts); c.712G>A, p.Glu238Lys (NM_001378193.1, NM_001378197.1, NM_001378202.1 and 3 more transcripts); c.-1207G>A (NM_001290065.2); short protein forms E238K, E254K, E261K.
Identifiers: ClinVar variation 1334706 (VCV001334706.5), dbSNP rs781112706, ClinGen allele CA2496817.